The following is an entry in ClinVar:

ClinVar aggregate classification (germline): Benign (1 of 4 stars; one submission).

Allele frequency attached by ClinVar (database versions not stated): 1000 Genomes Project 0.12320; 1000 Genomes Project 30x 0.12851; gnomAD 0.13808 and 0.14230; TOPMed 0.14331.
gnomAD v4.1: 21,042 of 152,242 alleles (14%); highest among the groups gnomAD compares: Middle Eastern, 24%; 1,796 homozygotes.

Submission:

GeneDx
Classification: Benign. Last evaluated: 2018-06-14. Review status: criteria provided, single submitter. Criteria: GeneDx Variant Classification (06012015). Collection method: clinical testing. Allele origin: germline. Affected: yes.
Comment: This variant is considered likely benign or benign based on one or more of the following criteria: it is a conservative change, it occurs at a poorly conserved position in the protein, it is predicted to be benign by multiple in silico algorithms, and/or has population frequency not consistent with disease.

NM_001083961.2(WDR62):c.2740-234A>G

Gene: WDR62 (WD repeat domain 62; plus strand). Cytogenetic location: 19q13.12.
Variant type: single nucleotide variant.
Coding change: c.2740-234A>G on transcript NM_001083961.2 (MANE Select); 234 bases into the intron before coding-DNA position 2740, A replaced by G.
Molecular consequence: intron variant.
Genome position (GRCh38, 1-based): chr19:36,100,514, A>G. VCF-style: chr19-36100514-A-G. GRCh37 (hg19) VCF-style: chr19-36591416-A-G.
Other names: c.2740-234A>G (NM_173636.5).
Identifiers: ClinVar variation 670285 (VCV000670285.1), dbSNP rs62109758, ClinGen allele CA14727326.